The following is an entry in ClinVar:

NM_000388.4(CASR):c.2315C>T (p.Ala772Val)

Gene: CASR (calcium sensing receptor; plus strand). Cytogenetic location: 3q21.1.
Variant type: single nucleotide variant.
Coding change: c.2315C>T on transcript NM_000388.4 (MANE Select); coding-DNA position 2315, C replaced by T.
Protein change: p.Ala772Val; replaces alanine 772 with valine.
Molecular consequence: missense variant.
Genome position (GRCh38, 1-based): chr3:122,284,269, C>T. VCF-style: chr3-122284269-C-T. GRCh37 (hg19) VCF-style: chr3-122003116-C-T.
Other names: c.2345C>T, p.Ala782Val (NM_001178065.2); short protein forms A772V, A782V.
Identifiers: ClinVar variation 665985 (VCV000665985.10), dbSNP rs1336598166, ClinGen allele CA354159481.
Genomic context (GRCh38, chr3:122,284,269, plus strand): 5'-GCAACCAGGAGCTGGAGGATGAGATCATCTTCATCACGTGCCACGAGGGCTCCCTCATGG[C>T]CCTGGGCTTCCTGATCGGCTACACCTGCCTGCTGGCTGCCATCTGCTTCTTCTTTGCCTT-3'
Protein context (NP_000379.3, residues 762-782): FITCHEGSLM[Ala772Val]LGFLIGYTCL

ClinVar aggregate classification (germline): Uncertain significance. Review status: criteria provided, multiple submitters, no conflicts (2 of 4 stars). 2 submissions from 2 submitters: Uncertain significance (2). Last evaluated 2024-09-12.

Conditions:
Familial hypocalciuric hypercalcemia (FHH). Also called: Familial benign hypercalcemia. Identifiers: Orphanet 405, MedGen C1809471, MONDO:0018458.
Autosomal dominant hypocalcemia 1 (HYPOC1). Also called: HYPOCALCEMIA, FAMILIAL. Identifiers: MedGen C3715128, MONDO:0011013, OMIM 601198.
Nephrolithiasis/nephrocalcinosis. Identifiers: MedGen CN580796.

Allele frequency attached by ClinVar (database versions not stated): gnomAD exomes below 0.00001.
gnomAD v4.1: 10 of 1,614,136 alleles (0.00062%); highest among the groups gnomAD compares: Non-Finnish European, 0.00085%; no homozygotes.

Submissions (2):

Labcorp Genetics (formerly Invitae), Labcorp
Classification: Uncertain significance for Familial hypocalciuric hypercalcemia; Autosomal dominant hypocalcemia 1. Last evaluated: 2024-09-12. Review status: criteria provided, single submitter. Criteria: Invitae Variant Classification Sherloc (09022015). Collection method: clinical testing. Allele origin: germline.
Comment: This sequence change replaces alanine, which is neutral and non-polar, with valine, which is neutral and non-polar, at codon 772 of the CASR protein (p.Ala772Val). This variant is present in population databases (no rsID available, gnomAD 0.0009%). This variant has not been reported in the literature in individuals affected with CASR-related conditions. ClinVar contains an entry for this variant (Variation ID: 665985). An algorithm developed to predict the effect of missense changes on protein structure and function (PolyPhen-2) suggests that this variant is likely to be disruptive. In summary, the available evidence is currently insufficient to determine the role of this variant in disease. Therefore, it has been classified as a Variant of Uncertain Significance.

Ambry Genetics
Classification: Uncertain significance for Nephrolithiasis/nephrocalcinosis. Last evaluated: 2022-11-10. Review status: criteria provided, single submitter. Criteria: Ambry Variant Classification Scheme 2023. Collection method: clinical testing. Allele origin: germline.
Comment: The p.A772V variant (also known as c.2315C>T), located in coding exon 6 of the CASR gene, results from a C to T substitution at nucleotide position 2315. The alanine at codon 772 is replaced by valine, an amino acid with similar properties. This amino acid position is conserved. In addition, this alteration is predicted to be deleterious by in silico analysis. Since supporting evidence is limited at this time, the clinical significance of this alteration remains unclear.